The following is an entry in ClinVar:

NM_130849.4(SLC39A4):c.976+2T>C

Gene: SLC39A4 (solute carrier family 39 member 4; minus strand). Cytogenetic location: 8q24.3.
Variant type: single nucleotide variant.
Coding change: c.976+2T>C on transcript NM_130849.4 (MANE Select); the canonical splice donor site of the intron after coding-DNA position 976, T replaced by C.
Molecular consequence: splice donor variant.
Genome position (GRCh38, 1-based): chr8:144,414,723, A>G on the plus strand (T>C on the coding strand, the complement: SLC39A4 is on the minus strand). VCF-style: chr8-144414723-A-G. GRCh37 (hg19) VCF-style: chr8-145640107-A-G.
Other names: c.694+2T>C (NM_001374839.1); c.901+2T>C (NM_017767.3).
Identifiers: ClinVar variation 4733977 (VCV004733977.1).

ClinVar aggregate classification (germline): Likely pathogenic (1 of 4 stars; one submission).

Submission:

Labcorp Genetics (formerly Invitae), Labcorp
Classification: Likely pathogenic. Last evaluated: 2025-12-23. Review status: criteria provided, single submitter. Criteria: Invitae Variant Classification Sherloc (09022015). Collection method: clinical testing. Allele origin: germline.
Comment: This sequence change affects a donor splice site in intron 5 of the SLC39A4 gene. It is expected to disrupt RNA splicing. Variants that disrupt the donor or acceptor splice site typically lead to a loss of protein function (PMID: 16199547), and loss-of-function variants in SLC39A4 are known to be pathogenic (PMID: 12955721). This variant is not present in population databases (gnomAD no frequency). Disruption of this splice site has been observed in individual(s) with acrodermatitis enteropathica (PMID: 31987033). Algorithms developed to predict the effect of sequence changes on RNA splicing suggest that this variant may disrupt the consensus splice site. In summary, the currently available evidence indicates that the variant is pathogenic, but additional data are needed to prove that conclusively. Therefore, this variant has been classified as Likely Pathogenic.

Literature cited by the submitters: PubMed 16199547; PubMed 12955721; PubMed 31987033.